The following is an entry in ClinVar:

NM_001286577.2(C2CD3):c.6117G>T (p.Arg2039Ser)

Gene: C2CD3 (C2 domain containing 3 centriole elongation regulator; minus strand). Cytogenetic location: 11q13.4.
Variant type: single nucleotide variant.
Coding change: c.6117G>T on transcript NM_001286577.2 (MANE Select); coding-DNA position 6117, G replaced by T.
Protein change: p.Arg2039Ser; replaces arginine 2039 with serine.
Molecular consequence: missense variant.
Genome position (GRCh38, 1-based): chr11:74,034,043, C>A on the plus strand (G>T on the coding strand, the complement: C2CD3 is on the minus strand). VCF-style: chr11-74034043-C-A. GRCh37 (hg19) VCF-style: chr11-73745088-C-A.
Other names: c.6117G>T (NM_001286577.1); short protein forms R2039S.
Identifiers: ClinVar variation 1629947 (VCV001629947.10), dbSNP rs780193120, ClinGen allele CA6181725.

ClinVar aggregate classification (germline): Likely benign. Review status: criteria provided, multiple submitters, no conflicts (2 of 4 stars). 3 submissions from 3 submitters: Likely benign (3). Last evaluated 2026-01-18.

Conditions:
C2CD3-related disorder. Also called: C2CD3-related condition.

Allele frequency attached by ClinVar (database versions not stated): ExAC 0.00007; gnomAD exomes 0.00014; 1000 Genomes Project 30x 0.00016; gnomAD 0.00070 and 0.00080; TOPMed 0.00074.
gnomAD v4.1: 172 of 1,536,460 alleles (0.011%); highest among the groups gnomAD compares: African/African-American, 0.21%; no homozygotes.

Submissions (3):

Labcorp Genetics (formerly Invitae), Labcorp
Classification: Likely benign. Last evaluated: 2026-01-18. Review status: criteria provided, single submitter. Criteria: Invitae Variant Classification Sherloc (09022015). Collection method: clinical testing. Allele origin: germline.

PreventionGenetics, part of Exact Sciences
Classification: Likely benign for C2CD3-related condition. Last evaluated: 2024-12-30. Review status: criteria provided, single submitter. Criteria: ACMG Guidelines, 2015. Collection method: clinical testing. Allele origin: germline.
Comment: This variant is classified as likely benign based on ACMG/AMP sequence variant interpretation guidelines (Richards et al. 2015 PMID: 25741868, with internal and published modifications).

Breakthrough Genomics
Classification: Likely benign. Review status: criteria provided, single submitter. Criteria: ACMG Guidelines, 2015. Collection method: not provided. Allele origin: germline. Inheritance: Autosomal recessive inheritance. Affected: yes.